The following is an entry in ClinVar:

ClinVar aggregate classification (germline): Pathogenic. Review status: criteria provided, multiple submitters, no conflicts (2 of 4 stars). 2 submissions from 2 submitters: Pathogenic (2). Last evaluated 2025-05-21.

Conditions:
Combined immunodeficiency due to LRBA deficiency. Also called: Common variable immunodeficiency 8, with autoimmunity. Identifiers: Orphanet 445018, MedGen C3553512, MONDO:0013863, OMIM 614700.

Allele frequency attached by ClinVar (database versions not stated): gnomAD exomes 0.00001.
gnomAD v4.1: 9 of 1,612,752 alleles (0.00056%); highest among the groups gnomAD compares: East Asian, 0.0022%; no homozygotes.

Submissions (2):

Next Generation Genetic Polyclinic
Classification: Pathogenic for Combined immunodeficiency due to LRBA deficiency. Last evaluated: 2025-05-21. Review status: criteria provided, single submitter. Criteria: ACMG Guidelines, 2015. Collection method: curation. Allele origin: germline. Affected: yes. Observed: 1 variant allele.
Comment: The NM_001364905.1:c.7282C>T variant in the LRBA gene introduces a premature stop codon (p.Arg2428Ter), resulting in a truncated or absent LRBA protein due to nonsense-mediated decay. LRBA is crucial for immune regulation, particularly in vesicle trafficking and CTLA-4 recycling in T cells. Loss-of-function mutations in LRBA are associated with Combined Immunodeficiency due to LRBA Deficiency, a rare autosomal recessive disorder characterized by recurrent infections, autoimmunity (e.g. autoimmune gastritis, cytopenias), and immune dysregulation. This variant is absent from population databases and has been reported in affected individuals, supporting its classification as pathogenic in the homozygous germline context.

Labcorp Genetics (formerly Invitae), Labcorp
Classification: Pathogenic for Combined immunodeficiency due to LRBA deficiency. Last evaluated: 2024-09-06. Review status: criteria provided, single submitter. Criteria: Invitae Variant Classification Sherloc (09022015). Collection method: clinical testing. Allele origin: germline.
Comment: This sequence change creates a premature translational stop signal (p.Arg2439*) in the LRBA gene. It is expected to result in an absent or disrupted protein product. Loss-of-function variants in LRBA are known to be pathogenic (PMID: 26206937, 26768763). This variant is not present in population databases (gnomAD no frequency). This premature translational stop signal has been observed in individual(s) with autoimmune gastritis (PMID: 33717114). ClinVar contains an entry for this variant (Variation ID: 2146562). For these reasons, this variant has been classified as Pathogenic.

Literature cited by the submitters: PubMed 33717114 (cited by Next Generation Genetic Polyclinic and Labcorp Genetics (formerly Invitae), Labcorp); PubMed 26768763 (cited by Next Generation Genetic Polyclinic and Labcorp Genetics (formerly Invitae), Labcorp); PubMed 26206937 (cited by Next Generation Genetic Polyclinic and Labcorp Genetics (formerly Invitae), Labcorp).

NM_001364905.1(LRBA):c.7282C>T (p.Arg2428Ter)

Gene: LRBA (LPS responsive beige-like anchor protein; minus strand). Cytogenetic location: 4q31.3.
Variant type: single nucleotide variant.
Coding change: c.7282C>T on transcript NM_001364905.1 (MANE Select); coding-DNA position 7282, C replaced by T.
Protein change: p.Arg2428Ter; replaces arginine 2428 with a stop codon.
Molecular consequence: nonsense.
Genome position (GRCh38, 1-based): chr4:150,350,072, G>A on the plus strand (C>T on the coding strand, the complement: LRBA is on the minus strand). VCF-style: chr4-150350072-G-A. GRCh37 (hg19) VCF-style: chr4-151271224-G-A.
Other names: c.7282C>T, p.Arg2428Ter (NM_001199282.3, NM_001367550.1); c.7315C>T, p.Arg2439Ter (NM_006726.5); short protein forms R2428*, R2439*.
Identifiers: ClinVar variation 2146562 (VCV002146562.5), dbSNP rs2545994358, ClinGen allele CA358605292.